The following is an entry in ClinVar:

ClinVar aggregate classification (germline): Uncertain significance (1 of 4 stars; one submission).

Conditions:
Charcot-Marie-Tooth disease type 2. Also called: Charcot-Marie-Tooth type 2. Identifiers: Orphanet 64746, MedGen C0270914, MONDO:0018993.

Allele frequency attached by ClinVar (database versions not stated): ESP Exome Variant Server 0.00008; TOPMed below 0.00001.
gnomAD v4.1: 2 of 1,614,030 alleles (0.00012%); highest among the groups gnomAD compares: Non-Finnish European, 0.00017%; no homozygotes.

Submission:

Labcorp Genetics (formerly Invitae), Labcorp
Classification: Uncertain significance for Charcot-Marie-Tooth disease type 2. Last evaluated: 2022-01-03. Review status: criteria provided, single submitter. Criteria: Invitae Variant Classification Sherloc (09022015). Collection method: clinical testing. Allele origin: germline.
Comment: In summary, the available evidence is currently insufficient to determine the role of this variant in disease. Therefore, it has been classified as a Variant of Uncertain Significance. Algorithms developed to predict the effect of missense changes on protein structure and function output the following: SIFT: "Tolerated"; PolyPhen-2: "Benign"; Align-GVGD: "Class C0". The isoleucine amino acid residue is found in multiple mammalian species, which suggests that this missense change does not adversely affect protein function. This missense change has been observed in individual(s) with clinical features of autosomal dominant MFN2-related conditions (PMID: 26581383). In at least one individual the variant was observed to be de novo. This variant is not present in population databases (gnomAD no frequency). This sequence change replaces valine, which is neutral and non-polar, with isoleucine, which is neutral and non-polar, at codon 573 of the MFN2 protein (p.Val573Ile).

Literature cited by the submitters: PubMed 26581383.

NM_014874.4(MFN2):c.1717G>A (p.Val573Ile)

Gene: MFN2 (mitofusin 2; plus strand). Cytogenetic location: 1p36.22.
Variant type: single nucleotide variant.
Coding change: c.1717G>A on transcript NM_014874.4 (MANE Select); coding-DNA position 1717, G replaced by A.
Protein change: p.Val573Ile; replaces valine 573 with isoleucine.
Molecular consequence: missense variant.
Genome position (GRCh38, 1-based): chr1:12,006,538, G>A. VCF-style: chr1-12006538-G-A. GRCh37 (hg19) VCF-style: chr1-12066595-G-A.
Other names: c.1717G>A, p.Val573Ile (NM_001127660.2); short protein forms V573I.
Identifiers: ClinVar variation 2085429 (VCV002085429.4), dbSNP rs370335693, ClinGen allele CA18012895.